The following is an entry in ClinVar:

ClinVar aggregate classification (germline): Likely pathogenic (1 of 4 stars; one submission).

Submission:

Dasa
Classification: Likely pathogenic. Last evaluated: 2026-02-26. Review status: criteria provided, single submitter. Criteria: DASA Assertion Criteria. Collection method: clinical testing. Allele origin: germline.
Comment: NM_080916.3(DGUOK):c.161_162del (p.Phe54Cysfs*74) is a frameshift variant in DGUOK predicted to alter the reading frame and introduce a premature termination codon and is predicted to result in an absent or altered protein product. Loss of function is an established disease mechanism for DGUOK-associated disorders. Also, this variant is rare in population databases. Based on the currently available evidence, this variant is classified as likely pathogenic.

NM_080916.3(DGUOK):c.161_162del (p.Phe54fs)

Gene: DGUOK (deoxyguanosine kinase; plus strand). Cytogenetic location: 2p13.1.
Variant type: Deletion.
Coding change: c.161_162del on transcript NM_080916.3 (MANE Select); coding-DNA positions 161 to 162, 2 bases deleted (TT; older notation c.161_162delTT).
Protein change: p.Phe54fs; shifts the reading frame from phenylalanine 54.
Molecular consequence: frameshift variant. On other transcripts: intron variant (4).
Genome position (GRCh38, 1-based): chr2:73,938,928-73,938,929, TT deleted; deleting any 2 consecutive bases within chr2:73,938,927-73,938,929 gives the same sequence; the c. name uses the placement nearest the transcript's 3' end. VCF-style (leftmost placement, unchanged base first): chr2-73938926-GTT-G. GRCh37 (hg19) VCF-style: chr2-74166053-GTT-G.
Other names: c.161_162del, p.Phe54fs (NM_001318859.2, NM_080918.3); c.-37+6245_-37+6246del (NM_001318861.2, NM_001318862.2); c.-36-7791_-36-7790del (NM_001318860.2, NM_001318863.2); short protein forms F54fs.
Identifiers: ClinVar variation 4880694 (VCV004880694.2).